The following is an entry in ClinVar:

ClinVar aggregate classification (germline): Uncertain significance (1 of 4 stars; one submission).

Conditions:
Sandhoff disease. Also called: GM2-GANGLIOSIDOSIS, TYPE II; HEXOSAMINIDASES A AND B DEFICIENCY; Beta-hexosaminidase-beta-subunit deficiency; GM2 gangliosidosis, type 2; Total hexosaminidase deficiency; Sandhoff-Jatzkewitz-Pilz disease. Identifiers: Orphanet 796, MedGen C0036161, MONDO:0010006, OMIM 268800.

Submission:

Neuberg Centre For Genomic Medicine, NCGM
Classification: Uncertain significance for Sandhoff disease. Last evaluated: 2023-03-01. Review status: criteria provided, single submitter. Criteria: ACMG Guidelines, 2015. Collection method: clinical testing. Allele origin: germline. Inheritance: Autosomal recessive inheritance. Affected: yes.
Comment: The missense variant c.1489A>C(p.Asn497His) in HEXB gene has not been reported previously as a pathogenic variant nor as a benign variant, to our knowledge. The variant is novel (not in any individuals) in gnomAD Exomes and 1000 Genomes. The amino acid Asparagine at position 497 is changed to a Histidine changing protein sequence and it might alter its composition and physico-chemical properties. The variant is predicted to be damaging by SIFT.The amino acid change p.Asn497His in HEXB is predicted as conserved by GERP++ and PhyloP across 100 vertebrates. For these reasons, this variant has been classified as Uncertain Significance.

NM_000521.4(HEXB):c.1489A>C (p.Asn497His)

Gene: HEXB (hexosaminidase subunit beta; plus strand). Cytogenetic location: 5q13.3.
Variant type: single nucleotide variant.
Coding change: c.1489A>C on transcript NM_000521.4 (MANE Select); coding-DNA position 1489, A replaced by C.
Protein change: p.Asn497His; replaces asparagine 497 with histidine.
Molecular consequence: missense variant.
Genome position (GRCh38, 1-based): chr5:74,720,499, A>C. VCF-style: chr5-74720499-A-C. GRCh37 (hg19) VCF-style: chr5-74016324-A-C.
Other names: c.814A>C, p.Asn272His (NM_001292004.2); short protein forms N272H, N497H.
Identifiers: ClinVar variation 2671750 (VCV002671750.1), dbSNP rs2478772139, ClinGen allele CA360071016.
Genomic context (GRCh38, chr5:74,720,499, plus strand): 5'-CAGAAACAACTTTTCATTGGTGGAGAAGCTTGTCTATGGGGAGAATATGTGGATGCAACT[A>C]ACCTCACTCCAAGATTATGGTATGGGATTTACCTGATAACATTTAAGAATTAAGGTGCCT-3'
Protein context (NP_000512.2, residues 487-507): CLWGEYVDAT[Asn497His]LTPRLWPRAS